The following is an entry in ClinVar:

ClinVar aggregate classification (germline): Uncertain significance. Review status: criteria provided, multiple submitters, no conflicts (2 of 4 stars). 2 submissions from 2 submitters: Uncertain significance (2). Last evaluated 2025-07-11.

Allele frequency attached by ClinVar (database versions not stated): gnomAD exomes below 0.00001.
gnomAD v4.1: 3 of 1,210,183 alleles (0.00025%); highest among the groups gnomAD compares: Non-Finnish European, 0.00034%; no homozygotes.

Submissions (2):

Labcorp Genetics (formerly Invitae), Labcorp
Classification: Uncertain significance. Last evaluated: 2025-07-11. Review status: criteria provided, single submitter. Criteria: Invitae Variant Classification Sherloc (09022015). Collection method: clinical testing. Allele origin: germline.
Comment: This sequence change replaces arginine, which is basic and polar, with cysteine, which is neutral and slightly polar, at codon 1802 of the HUWE1 protein (p.Arg1802Cys). This variant is not present in population databases (gnomAD no frequency). This variant has not been reported in the literature in individuals affected with HUWE1-related conditions. ClinVar contains an entry for this variant (Variation ID: 1806639). Invitae Evidence Modeling of protein sequence and biophysical properties (such as structural, functional, and spatial information, amino acid conservation, physicochemical variation, residue mobility, and thermodynamic stability) indicates that this missense variant is expected to disrupt HUWE1 protein function with a positive predictive value of 95%. In summary, the available evidence is currently insufficient to determine the role of this variant in disease. Therefore, it has been classified as a Variant of Uncertain Significance.

GeneDx
Classification: Uncertain significance. Last evaluated: 2025-07-09. Review status: criteria provided, single submitter. Criteria: GeneDx Variant Classification Process June 2021. Collection method: clinical testing. Allele origin: germline. Affected: yes.
Comment: Has not been previously published as pathogenic or benign to our knowledge; Not observed at significant frequency in large population cohorts (gnomAD); In silico analysis supports that this missense variant has a deleterious effect on protein structure/function

NM_031407.7(HUWE1):c.5404C>T (p.Arg1802Cys)

Gene: HUWE1 (HECT, UBA and WWE domain containing E3 ubiquitin protein ligase 1; minus strand). Cytogenetic location: Xp11.22.
Variant type: single nucleotide variant.
Coding change: c.5404C>T on transcript NM_031407.7 (MANE Select); coding-DNA position 5404, C replaced by T.
Protein change: p.Arg1802Cys; replaces arginine 1802 with cysteine.
Molecular consequence: missense variant.
Genome position (GRCh38, 1-based): chrX:53,583,674, G>A on the plus strand (C>T on the coding strand, the complement: HUWE1 is on the minus strand). VCF-style: chrX-53583674-G-A. GRCh37 (hg19) VCF-style: chrX-53610634-G-A.
Other names: short protein forms R1802C.
Identifiers: ClinVar variation 1806639 (VCV001806639.7), dbSNP rs2063731327, ClinGen allele CA413173673.